The following is an entry in ClinVar:

ClinVar aggregate classification (germline): Uncertain significance. Review status: criteria provided, multiple submitters, no conflicts (2 of 4 stars). 3 submissions from 3 submitters: Uncertain significance (3). Last evaluated 2025-10-08.

gnomAD v4.1: 1 of 1,614,198 alleles (0.000062%); no homozygotes.

Submissions (3):

Ambry Genetics
Classification: Uncertain significance. Last evaluated: 2025-10-08. Review status: criteria provided, single submitter. Criteria: Ambry Variant Classification Scheme 2023. Collection method: clinical testing. Allele origin: germline.

Labcorp Genetics (formerly Invitae), Labcorp
Classification: Uncertain significance. Last evaluated: 2024-06-17. Review status: criteria provided, single submitter. Criteria: Invitae Variant Classification Sherloc (09022015). Collection method: clinical testing. Allele origin: germline.
Comment: This sequence change replaces asparagine, which is neutral and polar, with isoleucine, which is neutral and non-polar, at codon 1078 of the A2ML1 protein (p.Asn1078Ile). This variant is not present in population databases (gnomAD no frequency). This variant has not been reported in the literature in individuals affected with A2ML1-related conditions. ClinVar contains an entry for this variant (Variation ID: 373515). An algorithm developed to predict the effect of missense changes on protein structure and function (PolyPhen-2) suggests that this variant is likely to be tolerated. In summary, the available evidence is currently insufficient to determine the role of this variant in disease. Therefore, it has been classified as a Variant of Uncertain Significance.

GeneDx
Classification: Uncertain significance. Last evaluated: 2016-11-23. Review status: criteria provided, single submitter. Criteria: GeneDx Variant Classification (06012015). Collection method: clinical testing. Allele origin: germline. Affected: yes.
Comment: A variant of uncertain significance has been identified in the A2ML1 gene. The N1078I variant has not been published as a pathogenic variant, nor has it been reported as a benign variant to our knowledge. It was not observed in approximately 6,100 individuals of European and African American ancestry in the NHLBI Exome Sequencing Project, indicating it is not a common benign variant in these populations. N1078I is a non-conservative amino acid substitution, which is likely to impact secondary protein structure as these residues differ in polarity, charge, size and/or other properties. However, this substitution occurs at a position that is not conserved and in silico analysis is inconsistent in its predictions as to whether or not the variant is damaging to the protein structure/function. Therefore, based on the currently available information, it is unclear whether this variant is a pathogenic variant or a rare benign variant.

NM_144670.6(A2ML1):c.3233A>T (p.Asn1078Ile)

Gene: A2ML1 (alpha-2-macroglobulin like 1; plus strand). Cytogenetic location: 12p13.31.
Variant type: single nucleotide variant.
Coding change: c.3233A>T on transcript NM_144670.6 (MANE Select); coding-DNA position 3233, A replaced by T.
Protein change: p.Asn1078Ile; replaces asparagine 1078 with isoleucine.
Molecular consequence: missense variant.
Genome position (GRCh38, 1-based): chr12:8,858,071, A>T. VCF-style: chr12-8858071-A-T. GRCh37 (hg19) VCF-style: chr12-9010667-A-T.
Other names: c.1760A>T, p.Asn587Ile (NM_001282424.3); c.3233A>T (NM_144670.3); short protein forms N1078I, N587I.
Identifiers: ClinVar variation 373515 (VCV000373515.11), dbSNP rs769308270, ClinGen allele CA16042914.